The following is an entry in ClinVar:

NM_001089.3(ABCA3):c.42C>G (p.Asn14Lys)

Gene: ABCA3 (ATP binding cassette subfamily A member 3; minus strand). Cytogenetic location: 16p13.3.
Variant type: single nucleotide variant.
Coding change: c.42C>G on transcript NM_001089.3 (MANE Select); coding-DNA position 42, C replaced by G.
Protein change: p.Asn14Lys; replaces asparagine 14 with lysine.
Molecular consequence: missense variant.
Genome position (GRCh38, 1-based): chr16:2,326,425, G>C on the plus strand (C>G on the coding strand, the complement: ABCA3 is on the minus strand). VCF-style: chr16-2326425-G-C. GRCh37 (hg19) VCF-style: chr16-2376426-G-C.
Other names: short protein forms N14K.
Identifiers: ClinVar variation 2152257 (VCV002152257.4), dbSNP rs2505678099, ClinGen allele CA394353301.

ClinVar aggregate classification (germline): Uncertain significance (1 of 4 stars; one submission).

Submission:

Labcorp Genetics (formerly Invitae), Labcorp
Classification: Uncertain significance. Last evaluated: 2024-10-26. Review status: criteria provided, single submitter. Criteria: Invitae Variant Classification Sherloc (09022015). Collection method: clinical testing. Allele origin: germline.
Comment: This sequence change replaces asparagine, which is neutral and polar, with lysine, which is basic and polar, at codon 14 of the ABCA3 protein (p.Asn14Lys). This variant is not present in population databases (gnomAD no frequency). This missense change has been observed in individual(s) with ABCA3 deficiency (PMID: 24871971). ClinVar contains an entry for this variant (Variation ID: 2152257). An algorithm developed to predict the effect of missense changes on protein structure and function (PolyPhen-2) suggests that this variant is likely to be disruptive. In summary, the available evidence is currently insufficient to determine the role of this variant in disease. Therefore, it has been classified as a Variant of Uncertain Significance.

Literature cited by the submitters: PubMed 24871971.